The following is an entry in ClinVar:

NM_003242.6(TGFBR2):c.1331A>C (p.Gln444Pro)

Gene: TGFBR2 (transforming growth factor beta receptor 2; plus strand). Cytogenetic location: 3p24.1.
Variant type: single nucleotide variant.
Coding change: c.1331A>C on transcript NM_003242.6 (MANE Select); coding-DNA position 1331, A replaced by C.
Protein change: p.Gln444Pro; replaces glutamine 444 with proline.
Molecular consequence: missense variant.
Genome position (GRCh38, 1-based): chr3:30,674,181, A>C. VCF-style: chr3-30674181-A-C. GRCh37 (hg19) VCF-style: chr3-30715673-A-C.
Other names: c.1406A>C, p.Gln469Pro (NM_001024847.3); c.1514A>C, p.Gln505Pro (NM_001407126.1); c.1439A>C, p.Gln480Pro (NM_001407127.1); c.1358A>C, p.Gln453Pro (NM_001407128.1); c.1334A>C, p.Gln445Pro (NM_001407129.1); c.1331A>C, p.Gln444Pro (NM_001407130.1); c.1226A>C, p.Gln409Pro (NM_001407132.1, NM_001407133.1, NM_001407134.1 and 2 more transcripts); c.1046A>C, p.Gln349Pro (NM_001407137.1); and 1 more; short protein forms Q444P, Q469P, Q324P, Q349P, Q445P, Q480P, Q409P, Q453P.
Identifiers: ClinVar variation 1699490 (VCV001699490.3), dbSNP rs2125439099, ClinGen allele CA351809034.

ClinVar aggregate classification (germline): Likely pathogenic (1 of 4 stars; one submission).

Conditions:
Loeys-Dietz syndrome 2 (LDS2). Also called: TGFBR2-Related Loeys-Dietz Syndrome; Marfan syndrome, type 2 (formerly); AORTIC ANEURYSM, FAMILIAL THORACIC 3; MARFAN SYNDROME, TYPE II; Marfan Syndrome type 2; Marfan like connective tissue disorder. Identifiers: Orphanet 284973, Orphanet 558, MedGen C2674574, MONDO:0012427, OMIM 610168.

Submission:

Victorian Clinical Genetics Services, Murdoch Childrens Research Institute
Classification: Likely pathogenic for Loeys-Dietz syndrome 2. Last evaluated: 2022-02-02. Review status: criteria provided, single submitter. Criteria: ACMG Guidelines, 2015. Collection method: clinical testing. Allele origin: germline. Inheritance: Autosomal dominant inheritance. Affected: yes.
Comment: Based on the classification scheme VCGS_Germline_v1.3.4, this variant is classified as Likely pathogenic. Following criteria are met: 0103 - Loss of function and gain of function are mechanisms of disease in this gene and are associated with Loeys-Dietz syndrome 2 (MIM#610168). Both LoF and GoF have been demonstrated as potential disease mechanisms in patients with Loeys-Dietz syndrome 2 (GeneReview, PMID: 15731757, 32528524, 28679693). (I) 0107 - This gene is associated with autosomal dominant disease. (I) 0200 - Variant is predicted to result in a missense amino acid change from glutamine to proline. (I) 0251 - This variant is heterozygous. (I) 0301 - Variant is absent from gnomAD (both v2 and v3). (SP) 0309 - An alternative amino acid change at the same position has been observed in gnomAD (v2) (1 heterozygote, 0 homozygotes). (I) 0502 - Missense variant with conflicting in silico predictions and uninformative conservation. (I) 0600 - Variant is located in the annotated protein kinase domain (Uniprot). (I) 0704 - Another missense variant comparable to the one identified in this case has limited previous evidence for pathogenicity. An alternative amino acid change to a lysine has been reported in one individual with Loeys-Dietz syndrome (PMID: 19816028). (SP) 0807 - This variant has no previous evidence of pathogenicity. (I) 0905 - No published segregation evidence has been identified for this variant. (I) 1007 - No published functional evidence has been identified for this variant. (I) 1102 - Strong phenotype match for this individual. (SP) 1208 - Inheritance information for this variant is not currently available in this individual. (I) Legend: (SP) - Supporting pathogenic, (I) - Information, (SB) - Supporting benign

Literature cited by the submitters: PubMed 15731757; PubMed 19816028; PubMed 28679693; PubMed 32528524.